The following is an entry in ClinVar:

NM_000203.5(IDUA):c.394C>T (p.Leu132=)

Gene: IDUA (alpha-L-iduronidase; plus strand). Cytogenetic location: 4p16.3.
Variant type: single nucleotide variant.
Coding change: c.394C>T on transcript NM_000203.5 (MANE Select); coding-DNA position 394, C replaced by T.
Protein change: p.Leu132=; no amino-acid change (leucine 132 retained).
Molecular consequence: synonymous variant. On other transcripts: 5 prime UTR variant (1), non-coding transcript variant (1).
Genome position (GRCh38, 1-based): chr4:1,000,890, C>T. VCF-style: chr4-1000890-C-T. GRCh37 (hg19) VCF-style: chr4-994678-C-T.
Other names: NM_000203.5(IDUA):c.394C>T; p.Leu132=; c.-3C>T (NM_001363576.1).
Identifiers: ClinVar variation 1162140 (VCV001162140.10), dbSNP rs1480225127, ClinGen allele CA437918487.

ClinVar aggregate classification (germline): Uncertain significance. Review status: reviewed by expert panel (3 of 4 stars). 2 submissions from 2 submitters: Uncertain significance (1). 1 of the submissions does not count toward it. Last evaluated 2024-12-05.

Conditions:
Mucopolysaccharidosis type 1. Also called: Mucopolysaccharidosis Type I; IDUA deficiency; MPS I. Identifiers: Orphanet 579, MedGen C0023786, MONDO:0001586.

Allele frequency attached by ClinVar (database versions not stated): gnomAD exomes below 0.00001.
gnomAD v4.1: 1 of 1,613,008 alleles (0.000062%); highest among the groups gnomAD compares: Non-Finnish European, 0.000085%; no homozygotes.

Submissions (2):

ClinGen Lysosomal Storage Disorder Variant Curation Expert Panel
Classification: Uncertain significance for Mucopolysaccharidosis type 1. Last evaluated: 2024-12-05. Review status: reviewed by expert panel. Criteria: ClinGen LSD ACMG Specifications IDUA V1.0.0. Collection method: curation. Allele origin: germline. Inheritance: Autosomal recessive inheritance.
Comment: The NM_000203.5:c.394C>T variant in IDUA is a synonymous (silent) variant (p.Leu132=) that is not predicted to impact splicing. It has not been reported previously in the literature, and whilst it is found in extremely low frequency in control populations, there are no other applicable criteria that support pathogenicity. The highest population minor allele frequency in gnomAD v4.0. is 8.477e-7 (1/1179650 alleles) in the European (non-Finnish) population, which is lower than the ClinGen Lysosomal Diseases VCEP’s threshold for PM2_Supporting (<0.00025), meeting this criterion (PM2_Supporting). The nearest splice site is nine base pairs upstream: the splice AI score for the creation of a new splice acceptor site is 0.17 (higher than the threshold for BP4, <0.1, but lower than the threshold for PP3). There is a ClinVar entry for this variant (Variation ID: 1162140). Overall, this variant meets the criteria to be classified as a variant of uncertain significance for MPS I based on the IDUA-specific ACMG/AMP criteria applied, as specified by the ClinGen Lysosomal Diseases Variant Curation Expert Panel (Specifications Version 1.0..0): PM2_Supporting. (Classification approved by the ClinGen Lysosomal Diseases Variant Curation Expert Panel on December 5, 2024)

Labcorp Genetics (formerly Invitae), Labcorp
Classification: Likely benign for Mucopolysaccharidosis type 1. Last evaluated: 2020-12-04. Review status: criteria provided, single submitter. Criteria: Invitae Variant Classification Sherloc (09022015). Collection method: clinical testing. Allele origin: germline. Not counted in ClinVar's aggregate classification.